The following is an entry in ClinVar:

ClinVar aggregate classification (germline): Uncertain significance (1 of 4 stars; one submission).

Conditions:
IFT74-related disorder. Also called: IFT74-Related Disorders; IFT74-related condition.

Submission:

PreventionGenetics, part of Exact Sciences
Classification: Uncertain significance for IFT74-related condition. Last evaluated: 2025-05-28. Review status: criteria provided, single submitter. Criteria: ACMG Guidelines, 2015. Collection method: clinical testing. Allele origin: germline.
Comment: The IFT74 c.477_482del6 variant is predicted to result in an in-frame deletion (p.Lys159_Leu160del). To our knowledge, this variant has not been reported in the literature. This variant is reported in 0.0068% of alleles in individuals of African descent in gnomAD. At this time, the clinical significance of this variant is uncertain due to the absence of conclusive functional and genetic evidence.

NM_025103.4(IFT74):c.477_482del (p.Lys159_Leu160del)

Gene: IFT74 (intraflagellar transport 74; plus strand). Cytogenetic location: 9p21.2.
Variant type: Deletion.
Coding change: c.477_482del on transcript NM_025103.4 (MANE Select); coding-DNA positions 477 to 482, 6 bases deleted (ACTTAA; older notation c.477_482delACTTAA).
Protein change: p.Lys159_Leu160del.
Molecular consequence: inframe deletion.
Genome position (GRCh38, 1-based): chr9:26,988,680-26,988,685, ACTTAA deleted; deleting any 6 consecutive bases within chr9:26,988,677-26,988,685 gives the same sequence; the c. name uses the placement nearest the transcript's 3' end. VCF-style (leftmost placement, unchanged base first): chr9-26988676-ATAAACT-A. GRCh37 (hg19) VCF-style: chr9-26988674-ATAAACT-A.
Other names: c.477_482del, p.Lys159_Leu160del (NM_001099222.3, NM_001099223.3, NM_001099224.3 and 1 more transcripts).
Identifiers: ClinVar variation 4981202 (VCV004981202.1).